The following is an entry in ClinVar:

NM_001042432.2(CLN3):c.222+2T>G

Gene: CLN3 (CLN3 lysosomal/endosomal transmembrane protein, battenin; minus strand). Cytogenetic location: 16p12.1.
Variant type: single nucleotide variant.
Coding change: c.222+2T>G on transcript NM_001042432.2 (MANE Select); the canonical splice donor site of the intron after coding-DNA position 222, T replaced by G.
Molecular consequence: splice donor variant.
Genome position (GRCh38, 1-based): chr16:28,489,288, A>C on the plus strand (T>G on the coding strand, the complement: CLN3 is on the minus strand). VCF-style: chr16-28489288-A-C. GRCh37 (hg19) VCF-style: chr16-28500609-A-C.
Other names: c.60+2T>G (NM_001286109.2, NM_001286110.2); c.222+2T>G (NM_001286104.2, NM_000086.2); c.2+2T>G (NM_001286105.2).
Identifiers: ClinVar variation 56259 (VCV000056259.2), dbSNP rs386833710, ClinGen allele CA263647.
Genomic context (GRCh38, chr16:28,489,288, plus strand): 5'-GTCCCACCCCCTCATCTTCCCACAGGGACTAACCATGGTGGTGGTGGTAGAGAGTCACTT[A>C]CATGGCTCTGGTTTCCCGATGTCCTCTTGTGGCTAAGGATGTCGTGGGCGGCACTCAGCA-3'

ClinVar aggregate classification (germline): Likely pathogenic (0 of 4 stars; one submission).

Conditions:
Neuronal ceroid lipofuscinosis 3 (CLN3). Identifiers: Orphanet 228346, MedGen C0751383, MONDO:0008767, OMIM 204200.

Submission:

Juha Muilu Group; Institute for Molecular Medicine Finland (FIMM)
Classification: Likely pathogenic for Juvenile neuronal ceroid lipofuscinosis. Review status: no assertion criteria provided. Collection method: not provided. Allele origin: unknown.
Comment: FinDis database variant: This variant was not found or characterized by our laboratory, data were collected from public sources: see reference
ClinVar note: Converted during submission from probable-pathogenic to Likely pathogenic.